The following is an entry in ClinVar:

NM_032043.3(BRIP1):c.1472A>G (p.Gln491Arg)

Gene: BRIP1 (BRCA1 interacting DNA helicase 1; minus strand). Cytogenetic location: 17q23.2.
Variant type: single nucleotide variant.
Coding change: c.1472A>G on transcript NM_032043.3 (MANE Select); coding-DNA position 1472, A replaced by G.
Protein change: p.Gln491Arg; replaces glutamine 491 with arginine.
Molecular consequence: missense variant.
Genome position (GRCh38, 1-based): chr17:61,793,598, T>C on the plus strand (A>G on the coding strand, the complement: BRIP1 is on the minus strand). VCF-style: chr17-61793598-T-C. GRCh37 (hg19) VCF-style: chr17-59870959-T-C.
Other names: c.1472A>G (NM_032043.2); short protein forms Q491R.
Identifiers: ClinVar variation 999453 (VCV000999453.10), dbSNP rs1555605852, ClinGen allele CA400482031.

ClinVar aggregate classification (germline): Uncertain significance. Review status: criteria provided, multiple submitters, no conflicts (2 of 4 stars). 2 submissions from 2 submitters: Uncertain significance (2). Last evaluated 2024-06-24.

Conditions:
Familial cancer of breast. Also called: hereditary breast carcinoma; Hereditary breast cancer; BREAST CANCER, FAMILIAL. Identifiers: Orphanet 227535, MedGen C0346153, MONDO:0016419, OMIM 114480. Disease mechanism: loss of function.
Fanconi anemia complementation group J. Also called: BRIP1-Related Fanconi Anemia. Identifiers: Orphanet 84, MedGen C1836860, MONDO:0012187, OMIM 609054.
Hereditary cancer-predisposing syndrome. Also called: Neoplastic Syndromes, Hereditary; Hereditary neoplastic syndrome; Hereditary Cancer Syndrome; Tumor predisposition. Identifiers: Orphanet 140162, MedGen C0027672, MeSH D009386, MONDO:0015356.

Submissions (2):

Ambry Genetics
Classification: Uncertain significance for Hereditary cancer-predisposing syndrome. Last evaluated: 2024-06-24. Review status: criteria provided, single submitter. Criteria: Ambry Variant Classification Scheme 2023. Collection method: clinical testing. Allele origin: germline.
Comment: The p.Q491R variant (also known as c.1472A>G), located in coding exon 9 of the BRIP1 gene, results from an A to G substitution at nucleotide position 1472. The glutamine at codon 491 is replaced by arginine, an amino acid with highly similar properties. This amino acid position is well conserved in available vertebrate species. In addition, the in silico prediction for this alteration is inconclusive. Based on the available evidence, the clinical significance of this variant remains unclear.

Labcorp Genetics (formerly Invitae), Labcorp
Classification: Uncertain significance for Familial cancer of breast; Fanconi anemia complementation group J. Last evaluated: 2022-09-01. Review status: criteria provided, single submitter. Criteria: Invitae Variant Classification Sherloc (09022015). Collection method: clinical testing. Allele origin: germline.
Comment: In summary, the available evidence is currently insufficient to determine the role of this variant in disease. Therefore, it has been classified as a Variant of Uncertain Significance. Algorithms developed to predict the effect of missense changes on protein structure and function are either unavailable or do not agree on the potential impact of this missense change (SIFT: "Tolerated"; PolyPhen-2: "Probably Damaging"; Align-GVGD: "Class C0"). ClinVar contains an entry for this variant (Variation ID: 999453). This variant has not been reported in the literature in individuals affected with BRIP1-related conditions. This variant is not present in population databases (gnomAD no frequency). This sequence change replaces glutamine, which is neutral and polar, with arginine, which is basic and polar, at codon 491 of the BRIP1 protein (p.Gln491Arg).